The following is an entry in ClinVar:

ClinVar aggregate classification (germline): Conflicting classifications of pathogenicity. Review status: criteria provided, conflicting classifications (1 of 4 stars). 4 submissions from 4 submitters: Uncertain significance (1); Likely benign (2). 1 of the submissions does not count toward it. Last evaluated 2026-09-01.

Conditions:
CDK6-related disorder. Also called: CDK6-related condition.

Allele frequency attached by ClinVar (database versions not stated): 1000 Genomes Project 0.00060; 1000 Genomes Project 30x 0.00109; gnomAD exomes 0.00147 and 0.00268; TOPMed 0.00159; gnomAD 0.00160 and 0.00166; ExAC 0.00167; ESP Exome Variant Server 0.00208.
gnomAD v4.1: 4,140 of 1,610,506 alleles (0.26%); highest among the groups gnomAD compares: Non-Finnish European, 0.33%; 7 homozygotes.

Submissions (4):

CeGaT Center for Human Genetics Tuebingen
Classification: Likely benign. Last evaluated: 2026-09-01. Review status: criteria provided, single submitter. Criteria: CeGaT Center For Human Genetics Tuebingen Variant Classification Criteria Version 2. Collection method: clinical testing. Allele origin: germline. Affected: yes. Observed: 2 variant alleles.
Comment: CDK6: BS2

Labcorp Genetics (formerly Invitae), Labcorp
Classification: Likely benign. Last evaluated: 2019-12-31. Review status: criteria provided, single submitter. Criteria: Invitae Variant Classification Sherloc (09022015). Collection method: clinical testing. Allele origin: germline.

Genetic Services Laboratory, University of Chicago
Classification: Uncertain significance. Last evaluated: 2015-11-11. Review status: criteria provided, single submitter. Criteria: ACMG Guidelines, 2015. Collection method: clinical testing. Allele origin: germline. Affected: no.

PreventionGenetics, part of Exact Sciences
Classification: Likely benign for CDK6-related condition. Last evaluated: 2022-05-22. Review status: no assertion criteria provided. Collection method: clinical testing. Allele origin: germline. Not counted in ClinVar's aggregate classification.
Comment: This variant is classified as likely benign based on ACMG/AMP sequence variant interpretation guidelines (Richards et al. 2015 PMID: 25741868, with internal and published modifications).

NM_001145306.2(CDK6):c.328G>A (p.Asp110Asn)

Gene: CDK6 (cyclin dependent kinase 6; minus strand). Cytogenetic location: 7q21.2.
Variant type: single nucleotide variant.
Coding change: c.328G>A on transcript NM_001145306.2 (MANE Select); coding-DNA position 328, G replaced by A.
Protein change: p.Asp110Asn; replaces aspartic acid 110 with asparagine.
Molecular consequence: missense variant.
Genome position (GRCh38, 1-based): chr7:92,774,737, C>T on the plus strand (G>A on the coding strand, the complement: CDK6 is on the minus strand). VCF-style: chr7-92774737-C-T. GRCh37 (hg19) VCF-style: chr7-92404051-C-T.
Other names: c.328G>A, p.Asp110Asn (NM_001259.8); short protein forms D110N.
Identifiers: ClinVar variation 434660 (VCV000434660.35), dbSNP rs35654944, ClinGen allele CA4342427.
Genomic context (GRCh38, chr7:92,774,737, plus strand): 5'-TGAAGATGATTCTTGATACCTTTATGGTTTCAGTGGGCACTCCAGGCTCTGGAACTTTAT[C>T]CAAGTAAGTGGTCAAGTCTTGATCGACATGTTCAAACACTAAAGTTAGTTTGGTTTCTCT-3'
Protein context (NP_001138778.1, residues 100-120): HVDQDLTTYL[Asp110Asn]KVPEPGVPTE